The following is an entry in ClinVar:

ClinVar aggregate classification (germline): Uncertain significance (1 of 4 stars; one submission).

Submission:

Ambry Genetics
Classification: Uncertain significance. Last evaluated: 2023-02-15. Review status: criteria provided, single submitter. Criteria: Ambry Variant Classification Scheme 2023. Collection method: clinical testing. Allele origin: germline.
Comment: The p.K3355N variant (also known as c.10065G>T), located in coding exon 71 of the PRKDC gene, results from a G to T substitution at nucleotide position 10065. The lysine at codon 3355 is replaced by asparagine, an amino acid with similar properties. This amino acid position is conserved. In addition, this alteration is predicted to be tolerated by in silico analysis. Since supporting evidence is limited at this time, the clinical significance of this alteration remains unclear.

NM_006904.7(PRKDC):c.10065G>T (p.Lys3355Asn)

Gene: PRKDC (protein kinase, DNA-activated, catalytic subunit; minus strand). Cytogenetic location: 8q11.21.
Variant type: single nucleotide variant.
Coding change: c.10065G>T on transcript NM_006904.7 (MANE Select); coding-DNA position 10065, G replaced by T.
Protein change: p.Lys3355Asn; replaces lysine 3355 with asparagine.
Molecular consequence: missense variant.
Genome position (GRCh38, 1-based): chr8:47,800,844, C>A on the plus strand (G>T on the coding strand, the complement: PRKDC is on the minus strand). VCF-style: chr8-47800844-C-A. GRCh37 (hg19) VCF-style: chr8-48713405-C-A.
Other names: c.10065G>T, p.Lys3355Asn (NM_001081640.2); short protein forms K3355N.
Identifiers: ClinVar variation 2452997 (VCV002452997.2), dbSNP rs2551862950, ClinGen allele CA371135651.
Genomic context (GRCh38, chr8:47,800,844, plus strand): 5'-CAGTATTACCTTCTCTGAATCCTCTGAACTGGATCCAGAAAGCTCTAAGATTCTTCTAGC[C>A]TTGTCCTCCTCGATTTCAGCAAGGCAGGCTGGCTCACTGCTGAGAGCATTCGCTATGATC-3'
Protein context (NP_008835.5, residues 3345-3365): PACLAEIEED[Lys3355Asn]ARRILELSGS